The following is an entry in ClinVar:

NM_024334.3(TMEM43):c.706G>A (p.Val236Met)

Gene: TMEM43 (transmembrane protein 43; plus strand). Cytogenetic location: 3p25.1.
Variant type: single nucleotide variant.
Coding change: c.706G>A on transcript NM_024334.3 (MANE Select); coding-DNA position 706, G replaced by A.
Protein change: p.Val236Met; replaces valine 236 with methionine.
Molecular consequence: missense variant.
Genome position (GRCh38, 1-based): chr3:14,135,158, G>A. VCF-style: chr3-14135158-G-A. GRCh37 (hg19) VCF-style: chr3-14176658-G-A.
Other names: c.709G>A, p.Val237Met (NM_001407274.1); c.706G>A, p.Val236Met (NM_001407275.1, NM_001407276.1, NM_001407277.1); c.691G>A, p.Val231Met (NM_001407278.1); c.556G>A, p.Val186Met (NM_001407280.1); short protein forms V236M, V186M, V237M, V231M.
Identifiers: ClinVar variation 1756995 (VCV001756995.3), dbSNP rs2470189086, ClinGen allele CA351535696.

ClinVar aggregate classification (germline): Uncertain significance. Review status: criteria provided, multiple submitters, no conflicts (2 of 4 stars). 2 submissions from 2 submitters: Uncertain significance (2). Last evaluated 2025-09-11.

Conditions:
Cardiovascular phenotype. Identifiers: MedGen CN230736.
Cardiomyopathy (CMYO). Also called: Cardiomyopathies. Identifiers: Orphanet 167848, MedGen C0878544, MONDO:0004994, HP:0001638. Inheritance: Various modes of inheritance.

Allele frequency attached by ClinVar (database versions not stated): gnomAD exomes below 0.00001.
gnomAD v4.1: 5 of 1,611,946 alleles (0.00031%); highest among the groups gnomAD compares: Non-Finnish European, 0.00042%; no homozygotes.

Submissions (2):

Color Diagnostics, LLC DBA Color Health
Classification: Uncertain significance for Cardiomyopathy. Last evaluated: 2025-09-11. Review status: criteria provided, single submitter. Criteria: ACMG Guidelines, 2015. Collection method: clinical testing. Allele origin: germline.
Comment: This missense variant replaces valine with methionine at codon 236 of the TMEM43 protein. Computational prediction suggests that this variant may not impact protein structure and function. To our knowledge, functional studies have not been reported for this variant. This variant has not been reported in individuals affected with TMEM43-related disorders in the literature. This variant has not been identified in the general population by the Genome Aggregation Database (gnomAD). The available evidence is insufficient to determine the role of this variant in disease conclusively. Therefore, this variant is classified as a Variant of Uncertain Significance.

Ambry Genetics
Classification: Uncertain significance for Cardiovascular phenotype. Last evaluated: 2021-03-19. Review status: criteria provided, single submitter. Criteria: Ambry Variant Classification Scheme 2023. Collection method: clinical testing. Allele origin: germline.
Comment: The p.V236M variant (also known as c.706G>A) is located in coding exon 9 of the TMEM43 gene. The valine at codon 236 is replaced by methionine, an amino acid with highly similar properties. This change occurs in the first base pair of coding exon 9. This amino acid position is highly conserved in available vertebrate species. In addition, the in silico prediction for this alteration is inconclusive. Since supporting evidence is limited at this time, the clinical significance of this alteration remains unclear.